The following is an entry in ClinVar:

ClinVar aggregate classification (germline): Uncertain significance. Review status: criteria provided, multiple submitters, no conflicts (2 of 4 stars). 3 submissions from 3 submitters: Uncertain significance (3). Last evaluated 2024-01-30.

Conditions:
Cardioencephalomyopathy, fatal infantile, due to cytochrome c oxidase deficiency 1 (MC4DN2). Also called: CYTOCHROME c OXIDASE DEFICIENCY, FATAL INFANTILE, WITH CARDIOENCEPHALOMYOPATHY; MITOCHONDRIAL COMPLEX IV DEFICIENCY, NUCLEAR TYPE 2. Identifiers: Orphanet 1561, MedGen C5399977, MONDO:0011451, OMIM 604377.
Myopia 6 (MYP6). Identifiers: MedGen C1837148, MONDO:0012154, OMIM 608908.

gnomAD v4.1: 12 of 1,613,648 alleles (0.00074%); highest among the groups gnomAD compares: African/African-American, 0.0013%; no homozygotes.

Submissions (3):

GeneDx
Classification: Uncertain significance. Last evaluated: 2024-01-30. Review status: criteria provided, single submitter. Criteria: GeneDx Variant Classification Process June 2021. Collection method: clinical testing. Allele origin: germline. Affected: yes.
Comment: Has not been previously published as pathogenic or benign to our knowledge; In silico analysis supports that this missense variant does not alter protein structure/function; Not observed at significant frequency in large population cohorts (gnomAD)

Labcorp Genetics (formerly Invitae), Labcorp
Classification: Uncertain significance. Last evaluated: 2022-07-07. Review status: criteria provided, single submitter. Criteria: Invitae Variant Classification Sherloc (09022015). Collection method: clinical testing. Allele origin: germline.
Comment: This sequence change replaces glutamic acid, which is acidic and polar, with glutamine, which is neutral and polar, at codon 170 of the SCO2 protein (p.Glu170Gln). This variant is present in population databases (no rsID available, gnomAD 0.002%). This variant has not been reported in the literature in individuals affected with SCO2-related conditions. ClinVar contains an entry for this variant (Variation ID: 1335833). Algorithms developed to predict the effect of missense changes on protein structure and function are either unavailable or do not agree on the potential impact of this missense change (SIFT: "Tolerated"; PolyPhen-2: "Possibly Damaging"; Align-GVGD: "Class C0"). In summary, the available evidence is currently insufficient to determine the role of this variant in disease. Therefore, it has been classified as a Variant of Uncertain Significance.

Fulgent Genetics
Classification: Uncertain significance for Cardioencephalomyopathy, fatal infantile, due to cytochrome c oxidase deficiency 1; Myopia 6. Last evaluated: 2022-03-01. Review status: criteria provided, single submitter. Criteria: ACMG Guidelines, 2015. Collection method: clinical testing. Allele origin: unknown.

NM_005138.3(SCO2):c.508G>C (p.Glu170Gln)

Genes: NCAPH2 (non-SMC condensin II complex subunit H2; plus strand), SCO2 (synthesis of cytochrome C oxidase 2; minus strand). Cytogenetic location: 22q13.33.
Variant type: single nucleotide variant.
Coding change: c.508G>C on transcript NM_005138.3 (MANE Select); coding-DNA position 508, G replaced by C.
Protein change: p.Glu170Gln; replaces glutamic acid 170 with glutamine.
Molecular consequence: missense variant. On other transcripts: 3 prime UTR variant (2).
Genome position (GRCh38, 1-based): chr22:50,523,904, C>G on the plus strand (G>C on the coding strand, the complement: SCO2 is on the minus strand). VCF-style: chr22-50523904-C-G. GRCh37 (hg19) VCF-style: chr22-50962333-C-G.
Other names: c.*529C>G (NM_001185011.2, NM_152299.4); c.508G>C, p.Glu170Gln (NM_001169109.2, NM_001169110.1, NM_001169111.2); short protein forms E170Q.
Identifiers: ClinVar variation 1335833 (VCV001335833.5), dbSNP rs753614511, ClinGen allele CA325555437.